The following is an entry in ClinVar:

ClinVar aggregate classification (germline): Uncertain significance (1 of 4 stars; one submission).

gnomAD v4.1: 1 of 1,612,618 alleles (0.000062%); highest among the groups gnomAD compares: African/African-American, 0.0013%; no homozygotes.

Submission:

Labcorp Genetics (formerly Invitae), Labcorp
Classification: Uncertain significance. Last evaluated: 2024-04-10. Review status: criteria provided, single submitter. Criteria: Invitae Variant Classification Sherloc (09022015). Collection method: clinical testing. Allele origin: germline.
Comment: This sequence change replaces serine, which is neutral and polar, with arginine, which is basic and polar, at codon 989 of the KCNH1 protein (p.Ser989Arg). This variant is not present in population databases (gnomAD no frequency). This variant has not been reported in the literature in individuals affected with KCNH1-related conditions. This missense change has been observed in at least one individual who was not affected with KCNH1-related conditions (Invitae). Advanced modeling of protein sequence and biophysical properties (such as structural, functional, and spatial information, amino acid conservation, physicochemical variation, residue mobility, and thermodynamic stability) has been performed at Invitae for this missense variant, however the output from this modeling did not meet the statistical confidence thresholds required to predict the impact of this variant on KCNH1 protein function. Algorithms developed to predict the effect of sequence changes on RNA splicing suggest that this variant may create or strengthen a splice site. In summary, the available evidence is currently insufficient to determine the role of this variant in disease. Therefore, it has been classified as a Variant of Uncertain Significance.

NM_172362.3(KCNH1):c.2967C>G (p.Ser989Arg)

Gene: KCNH1 (potassium voltage-gated channel subfamily H member 1; minus strand). Cytogenetic location: 1q32.2.
Variant type: single nucleotide variant.
Coding change: c.2967C>G on transcript NM_172362.3 (MANE Select); coding-DNA position 2967, C replaced by G.
Protein change: p.Ser989Arg; replaces serine 989 with arginine.
Molecular consequence: missense variant.
Genome position (GRCh38, 1-based): chr1:210,683,284, G>C on the plus strand (C>G on the coding strand, the complement: KCNH1 is on the minus strand). VCF-style: chr1-210683284-G-C. GRCh37 (hg19) VCF-style: chr1-210856626-G-C.
Other names: c.2886C>G, p.Ser962Arg (NM_002238.4); short protein forms S962R, S989R.
Identifiers: ClinVar variation 2744632 (VCV002744632.3), dbSNP rs572030486, ClinGen allele CA344870042.